The following is an entry in ClinVar:

ClinVar aggregate classification (germline): Uncertain significance (1 of 4 stars; one submission).

Submission:

Labcorp Genetics (formerly Invitae), Labcorp
Classification: Uncertain significance. Last evaluated: 2023-03-02. Review status: criteria provided, single submitter. Criteria: Invitae Variant Classification Sherloc (09022015). Collection method: clinical testing. Allele origin: germline.
Comment: In summary, the available evidence is currently insufficient to determine the role of this variant in disease. Therefore, it has been classified as a Variant of Uncertain Significance. Advanced modeling of protein sequence and biophysical properties (such as structural, functional, and spatial information, amino acid conservation, physicochemical variation, residue mobility, and thermodynamic stability) has been performed at Invitae for this missense variant, however the output from this modeling did not meet the statistical confidence thresholds required to predict the impact of this variant on DEAF1 protein function. This variant has not been reported in the literature in individuals affected with DEAF1-related conditions. This variant is not present in population databases (gnomAD no frequency). This sequence change replaces glycine, which is neutral and non-polar, with alanine, which is neutral and non-polar, at codon 131 of the DEAF1 protein (p.Gly131Ala).

NM_021008.4(DEAF1):c.392G>C (p.Gly131Ala)

Gene: DEAF1 (DEAF1 transcription factor; minus strand). Cytogenetic location: 11p15.5.
Variant type: single nucleotide variant.
Coding change: c.392G>C on transcript NM_021008.4 (MANE Select); coding-DNA position 392, G replaced by C.
Protein change: p.Gly131Ala; replaces glycine 131 with alanine.
Molecular consequence: missense variant. On other transcripts: 5 prime UTR variant (1).
Genome position (GRCh38, 1-based): chr11:688,456, C>G on the plus strand (G>C on the coding strand, the complement: DEAF1 is on the minus strand). VCF-style: chr11-688456-C-G. GRCh37 (hg19) VCF-style: chr11-688456-C-G.
Other names: c.392G>C, p.Gly131Ala (NM_001293634.2); c.-335G>C (NM_001367390.1); short protein forms G131A.
Identifiers: ClinVar variation 2841423 (VCV002841423.3), dbSNP rs545790696, ClinGen allele CA378936126.